The following is an entry in ClinVar:

ClinVar aggregate classification (germline): Conflicting classifications of pathogenicity. Review status: criteria provided, conflicting classifications (1 of 4 stars). 9 submissions from 8 submitters: Uncertain significance (6); Likely benign (1). 2 of the submissions do not count toward it. Last evaluated 2026-04-13.

Conditions:
USH2A-related disorder. Also called: USH2A-related disorders; USH2A-related condition. Identifiers: MedGen CN239332.
Retinal dystrophy. Also called: Inherited retinal dystrophy. Identifiers: Orphanet 71862, MedGen C0854723, MeSH D058499, MONDO:0019118, HP:0000556.
Retinitis pigmentosa (RP). Identifiers: Orphanet 791, MedGen C0035334, MeSH D012174, MONDO:0019200, OMIM 268000. Inheritance: Autosomal dominant, autosomal recessive and X linked inheritance.
Usher syndrome type 2A. Also called: RETINAL DISEASE IN USHER SYNDROME TYPE IIA, MODIFIER OF; USHER SYNDROME, TYPE IIA. Identifiers: Orphanet 231178, Orphanet 886, MedGen C1848634, MONDO:0010169, OMIM 276901.

Allele frequency attached by ClinVar (database versions not stated): gnomAD exomes 0.00004 and 0.00006; ExAC 0.00005; ESP Exome Variant Server 0.00015; 1000 Genomes Project 30x 0.00016; 1000 Genomes Project 0.00020; gnomAD 0.00037 and 0.00040; TOPMed 0.00042.
gnomAD v4.1: 123 of 1,614,150 alleles (0.0076%); highest among the groups gnomAD compares: African/African-American, 0.13%; no homozygotes.

Submissions (9):

PreventionGenetics, part of Exact Sciences
Classification: Uncertain significance for USH2A-related condition. Last evaluated: 2026-04-13. Review status: criteria provided, single submitter. Criteria: ACMG Guidelines, 2015. Collection method: clinical testing. Allele origin: germline.
Comment: The USH2A c.2459A>G variant is predicted to result in the amino acid substitution p.Asn820Ser. To our knowledge, this variant has not been reported in the literature. This variant is reported in 0.10% of alleles in individuals of African descent in gnomAD, which may be too frequent to be a primary cause of disease. Although we suspect that this variant may be benign, at this time, the clinical significance of this variant is uncertain due to the absence of conclusive functional and genetic evidence.

Labcorp Genetics (formerly Invitae), Labcorp
Classification: Likely benign. Last evaluated: 2026-01-18. Review status: criteria provided, single submitter. Criteria: Invitae Variant Classification Sherloc (09022015). Collection method: clinical testing. Allele origin: germline.

GeneDx
Classification: Uncertain significance. Last evaluated: 2025-09-19. Review status: criteria provided, single submitter. Criteria: GeneDx Variant Classification Process June 2021. Collection method: clinical testing. Allele origin: germline.
Comment: In silico analysis suggests that this missense variant does not alter protein structure/function; Has not been previously published as pathogenic or benign to our knowledge

Blueprint Genetics
Classification: Uncertain significance. Last evaluated: 2023-12-27. Review status: criteria provided, single submitter. Criteria: ACMG Guidelines, 2015. Collection method: clinical testing. Allele origin: germline.

Illumina Laboratory Services, Illumina
Classification: Uncertain significance for Retinitis pigmentosa. Last evaluated: 2018-01-13. Review status: criteria provided, single submitter. Criteria: ICSL Variant Classification Criteria 13 December 2019. Collection method: clinical testing. Allele origin: germline.

Illumina Laboratory Services, Illumina
Classification: Uncertain significance for Usher syndrome type 2A. Last evaluated: 2018-01-13. Review status: criteria provided, single submitter. Criteria: ICSL Variant Classification Criteria 13 December 2019. Collection method: clinical testing. Allele origin: germline.

Eurofins Ntd Llc (ga)
Classification: Uncertain significance. Last evaluated: 2016-04-04. Review status: criteria provided, single submitter. Criteria: EGL Classification Definitions 2015. Collection method: clinical testing. Allele origin: germline. Observed: 1 variant allele, 1 heterozygote.

Natera, Inc.
Classification: Uncertain significance for Usher syndrome type 2A. Last evaluated: 2020-01-24. Review status: no assertion criteria provided. Collection method: clinical testing. Allele origin: germline. Not counted in ClinVar's aggregate classification.

Institute of Human Genetics, Univ. Regensburg, Univ. Regensburg
Classification: Uncertain significance for Retinal dystrophy. Last evaluated: 2019-01-01. Review status: no assertion criteria provided. Criteria: ACMG Guidelines, 2015. Collection method: clinical testing. Allele origin: germline. Affected: yes. Not counted in ClinVar's aggregate classification.

NM_206933.4(USH2A):c.2459A>G (p.Asn820Ser)

Genes: USH2A (usherin; minus strand), LOC122152296 (Sharpr-MPRA regulatory region 8762; plus strand). Cytogenetic location: 1q41.
Variant type: single nucleotide variant.
Coding change: c.2459A>G on transcript NM_206933.4 (MANE Select); coding-DNA position 2459, A replaced by G.
Protein change: p.Asn820Ser; replaces asparagine 820 with serine.
Molecular consequence: missense variant.
Genome position (GRCh38, 1-based): chr1:216,246,935, T>C on the plus strand (A>G on the coding strand, the complement: USH2A is on the minus strand). VCF-style: chr1-216246935-T-C. GRCh37 (hg19) VCF-style: chr1-216420277-T-C.
Other names: c.2459A>G, p.Asn820Ser (NM_007123.6); short protein forms N820S.
Identifiers: ClinVar variation 286632 (VCV000286632.22), dbSNP rs34447581, ClinGen allele CA1396227.